The following is an entry in ClinVar:

NM_000092.5(COL4A4):c.2840G>A (p.Arg947Gln)

Gene: COL4A4 (collagen type IV alpha 4 chain; minus strand). Cytogenetic location: 2q36.3.
Variant type: single nucleotide variant.
Coding change: c.2840G>A on transcript NM_000092.5 (MANE Select); coding-DNA position 2840, G replaced by A.
Protein change: p.Arg947Gln; replaces arginine 947 with glutamine.
Molecular consequence: missense variant.
Genome position (GRCh38, 1-based): chr2:227,054,614, C>T on the plus strand (G>A on the coding strand, the complement: COL4A4 is on the minus strand). VCF-style: chr2-227054614-C-T. GRCh37 (hg19) VCF-style: chr2-227919330-C-T.
Other names: short protein forms R947Q.
Identifiers: ClinVar variation 556956 (VCV000556956.11), dbSNP rs373540400, ClinGen allele CA2144707.

ClinVar aggregate classification (germline): Conflicting classifications of pathogenicity. Review status: criteria provided, conflicting classifications (1 of 4 stars). 5 submissions from 5 submitters: Uncertain significance (3); Benign (1). 1 of the submissions does not count toward it. Last evaluated 2026-09-22.

Conditions:
COL4A4-related disorder.
Autosomal recessive Alport syndrome (ATS2). Also called: COL4A4 Alport Syndrome and Thin Basement Membrane Nephropathy; ALPORT SYNDROME 2, AUTOSOMAL RECESSIVE; COL4A3-Related Nephropathy; Alport syndrome type 2. Identifiers: Orphanet 63, Orphanet 88919, MedGen C4746745, MONDO:0008762, OMIM 203780.
Hematuria, benign familial, 1 (BFH1). Also called: THIN MEMBRANE NEPHROPATHY. Identifiers: MedGen CN376803, MONDO:0007709, OMIM 141200.

Allele frequency attached by ClinVar (database versions not stated): 1000 Genomes Project 30x 0.00016; ExAC 0.00006; gnomAD exomes 0.00006; ESP Exome Variant Server 0.00008; TOPMed 0.00008; gnomAD 0.00013 and 0.00014.
gnomAD v4.1: 63 of 1,614,100 alleles (0.0039%); highest among the groups gnomAD compares: African/African-American, 0.048%; no homozygotes.

Submissions (5):

PreventionGenetics, part of Exact Sciences
Classification: Uncertain significance for COL4A4-related condition. Last evaluated: 2026-09-22. Review status: criteria provided, single submitter. Criteria: ACMG Guidelines, 2015. Collection method: clinical testing. Allele origin: germline.
Comment: The COL4A4 c.2840G>A variant is predicted to result in the amino acid substitution p.Arg947Gln. This variant was reported in an individual with microtia (Wang et al. 2017. PubMed ID: 28968992) and in a cohort study of patients with autism or neurodevelopmental disorder (patient 1645001, Supplementary Data 1, Zhou et al. 2022. PubMed ID: 35982159; Table S20, Fu et al. 2022. PubMed ID: 35982160). This variant is reported in 0.041% of alleles in individuals of African descent in gnomAD. Although we suspect that this variant may be benign, at this time, the clinical significance of this variant is uncertain due to the absence of conclusive functional and genetic evidence.

Labcorp Genetics (formerly Invitae), Labcorp
Classification: Benign. Last evaluated: 2026-01-24. Review status: criteria provided, single submitter. Criteria: Invitae Variant Classification Sherloc (09022015). Collection method: clinical testing. Allele origin: germline.

Fulgent Genetics
Classification: Uncertain significance for Hematuria, benign familial, 1; Autosomal recessive Alport syndrome. Last evaluated: 2024-03-29. Review status: criteria provided, single submitter. Criteria: ACMG Guidelines, 2015. Collection method: clinical testing. Allele origin: germline.

GeneDx
Classification: Uncertain significance. Last evaluated: 2021-12-15. Review status: criteria provided, single submitter. Criteria: GeneDx Variant Classification Process June 2021. Collection method: clinical testing. Allele origin: germline. Affected: yes.
Comment: Identified in a patient with microtia in published literature (Wang et al., 2017); In silico analysis supports that this missense variant does not alter protein structure/function; Occurs in the triple helical domain at the Y position in the canonical Gly-X-Y repeat; although this variant may have an effect on normal protein folding and function, missense substitution at the Y position is not a common mechanism of disease; This variant is associated with the following publications: (PMID: 28968992)

Counsyl
Classification: Uncertain significance for Autosomal recessive Alport syndrome. Last evaluated: 2018-03-02. Review status: no assertion criteria provided. Collection method: clinical testing. Allele origin: unknown. Not counted in ClinVar's aggregate classification.

Literature cited by the submitters: PubMed 28968992 (cited by Counsyl).